The following is an entry in ClinVar:

NM_001127671.2(LIFR):c.2968G>C (p.Glu990Gln)

Gene: LIFR (LIF receptor subunit alpha; minus strand). Cytogenetic location: 5p13.1.
Variant type: single nucleotide variant.
Coding change: c.2968G>C on transcript NM_001127671.2 (MANE Select); coding-DNA position 2968, G replaced by C.
Protein change: p.Glu990Gln; replaces glutamic acid 990 with glutamine.
Molecular consequence: missense variant.
Genome position (GRCh38, 1-based): chr5:38,481,921, C>G on the plus strand (G>C on the coding strand, the complement: LIFR is on the minus strand). VCF-style: chr5-38481921-C-G. GRCh37 (hg19) VCF-style: chr5-38482023-C-G.
Other names: c.2968G>C, p.Glu990Gln (NM_001364297.2, NM_002310.6); c.2935G>C, p.Glu979Gln (NM_001364298.2); short protein forms E979Q, E990Q.
Identifiers: ClinVar variation 2176473 (VCV002176473.2), dbSNP rs565020472, ClinGen allele CA3242532.

ClinVar aggregate classification (germline): Uncertain significance (1 of 4 stars; one submission).

Allele frequency attached by ClinVar (database versions not stated): ExAC 0.00002; gnomAD exomes 0.00002; TOPMed 0.00002; gnomAD 0.00005.
gnomAD v4.1: 32 of 1,613,858 alleles (0.002%); highest among the groups gnomAD compares: Admixed American, 0.0083%; no homozygotes.

Submission:

Labcorp Genetics (formerly Invitae), Labcorp
Classification: Uncertain significance. Last evaluated: 2025-09-08. Review status: criteria provided, single submitter. Criteria: Invitae Variant Classification Sherloc (09022015). Collection method: clinical testing. Allele origin: germline.
Comment: This sequence change replaces glutamic acid, which is acidic and polar, with glutamine, which is neutral and polar, at codon 990 of the LIFR protein (p.Glu990Gln). This variant is present in population databases (rs565020472, gnomAD 0.006%). This variant has not been reported in the literature in individuals affected with LIFR-related conditions. ClinVar contains an entry for this variant (Variation ID: 2176473). An algorithm developed to predict the effect of missense changes on protein structure and function (PolyPhen-2) suggests that this variant is likely to be disruptive. In summary, the available evidence is currently insufficient to determine the role of this variant in disease. Therefore, it has been classified as a Variant of Uncertain Significance.